The following is an entry in ClinVar:

NM_006440.5(TXNRD2):c.775-85T>C

Gene: TXNRD2 (thioredoxin reductase 2; minus strand). Cytogenetic location: 22q11.21.
Variant type: single nucleotide variant.
Coding change: c.775-85T>C on transcript NM_006440.5 (MANE Select); 85 bases into the intron before coding-DNA position 775, T replaced by C.
Molecular consequence: intron variant.
Genome position (GRCh38, 1-based): chr22:19,895,666, A>G on the plus strand (T>C on the coding strand, the complement: TXNRD2 is on the minus strand). VCF-style: chr22-19895666-A-G. GRCh37 (hg19) VCF-style: chr22-19883189-A-G.
Other names: c.772-85T>C (NM_001352300.2); c.487-85T>C (NM_001352302.2); c.685-85T>C (NM_001352301.2); c.775-85T>C (NM_001282512.3); c.679-85T>C (NM_001352303.2).
Identifiers: ClinVar variation 679108 (VCV000679108.2), dbSNP rs78239309, ClinGen allele CA14983898.

ClinVar aggregate classification (germline): Benign. Review status: criteria provided, multiple submitters, no conflicts (2 of 4 stars). 2 submissions from 2 submitters: Benign (2). Last evaluated 2018-06-14.

Allele frequency attached by ClinVar (database versions not stated): gnomAD exomes 0.00646; gnomAD 0.05542 and 0.05915; TOPMed 0.06233; 1000 Genomes Project 0.06829; 1000 Genomes Project 30x 0.07292.

Submissions (2):

GeneDx
Classification: Benign. Last evaluated: 2018-06-14. Review status: criteria provided, single submitter. Criteria: GeneDx Variant Classification (06012015). Collection method: clinical testing. Allele origin: germline. Affected: yes.
Comment: This variant is considered likely benign or benign based on one or more of the following criteria: it is a conservative change, it occurs at a poorly conserved position in the protein, it is predicted to be benign by multiple in silico algorithms, and/or has population frequency not consistent with disease.

Breakthrough Genomics
Classification: Benign. Review status: criteria provided, single submitter. Criteria: ACMG Guidelines, 2015. Collection method: not provided. Allele origin: germline. Inheritance: Autosomal recessive inheritance. Affected: yes.